The following is an entry in ClinVar:

ClinVar aggregate classification (germline): Pathogenic (1 of 4 stars; one submission).

Submission:

GeneDx
Classification: Pathogenic. Last evaluated: 2022-04-14. Review status: criteria provided, single submitter. Criteria: GeneDx Variant Classification Process June 2021. Collection method: clinical testing. Allele origin: germline. Affected: yes.
Comment: Frameshift variant predicted to result in protein truncation or nonsense mediated decay in a gene for which loss-of-function is a known mechanism of disease; Not observed in large population cohorts (gnomAD); Has not been previously published as pathogenic or benign to our knowledge

NM_006914.4(RORB):c.61del (p.His21fs)

Gene: RORB (RAR related orphan receptor B; plus strand). Cytogenetic location: 9q21.13.
Variant type: Deletion.
Coding change: c.61del on transcript NM_006914.4 (MANE Select); coding-DNA position 61, one base deleted (C; older notation c.61delC).
Protein change: p.His21fs; shifts the reading frame from histidine 21.
Molecular consequence: frameshift variant.
Genome position (GRCh38, 1-based): chr9:74,630,335, C deleted; the last of 2 consecutive C bases (chr9:74,630,334-74,630,335); deleting either gives the same sequence. VCF-style (leftmost placement, unchanged base first): chr9-74630333-TC-T. GRCh37 (hg19) VCF-style: chr9-77245249-TC-T.
Other names: c.94del, p.His32fs (NM_001365023.1); short protein forms H21fs, H32fs.
Identifiers: ClinVar variation 1678868 (VCV001678868.2), dbSNP rs2118414391, ClinGen allele CA2573144685.
Genomic context (GRCh38, chr9:74,630,333, plus strand): 5'-TCCTTTCAGCACAAATTGAAGTGATACCATGCAAAATTTGTGGCGATAAGTCCTCTGGGA[TC>T]CACTACGGAGTCATCACATGTGAAGGCTGCAAGGTATGGGACTTTCATACAGCACGGTTC-3'